The following is an entry in ClinVar:

ClinVar aggregate classification (germline): Uncertain significance (1 of 4 stars; one submission).

Submission:

Labcorp Genetics (formerly Invitae), Labcorp
Classification: Uncertain significance. Last evaluated: 2022-06-23. Review status: criteria provided, single submitter. Criteria: Invitae Variant Classification Sherloc (09022015). Collection method: clinical testing. Allele origin: germline.
Comment: This sequence change replaces alanine, which is neutral and non-polar, with aspartic acid, which is acidic and polar, at codon 175 of the NR2E3 protein (p.Ala175Asp). This variant is not present in population databases (gnomAD no frequency). This variant has not been reported in the literature in individuals affected with NR2E3-related conditions. Experimental studies and prediction algorithms are not available or were not evaluated, and the functional significance of this variant is currently unknown. In summary, the available evidence is currently insufficient to determine the role of this variant in disease. Therefore, it has been classified as a Variant of Uncertain Significance.

NM_014249.4(NR2E3):c.524C>A (p.Ala175Asp)

Gene: NR2E3 (nuclear receptor subfamily 2 group E member 3; plus strand). Cytogenetic location: 15q23.
Variant type: single nucleotide variant.
Coding change: c.524C>A on transcript NM_014249.4 (MANE Select); coding-DNA position 524, C replaced by A.
Protein change: p.Ala175Asp; replaces alanine 175 with aspartic acid.
Molecular consequence: missense variant.
Genome position (GRCh38, 1-based): chr15:71,812,129, C>A. VCF-style: chr15-71812129-C-A. GRCh37 (hg19) VCF-style: chr15-72104469-C-A.
Other names: c.524C>A, p.Ala175Asp (NM_016346.4); short protein forms A175D.
Identifiers: ClinVar variation 2103408 (VCV002103408.4), dbSNP rs567617489, ClinGen allele CA7640324.